The following is an entry in ClinVar:

NM_000153.4(GALC):c.622-137CAAA[4]

Gene: GALC (galactosylceramidase; minus strand). Cytogenetic location: 14q31.3.
Variant type: Microsatellite.
Coding change: c.622-137CAAA[4] on transcript NM_000153.4 (MANE Select); four copies in a row of the 4-base unit CAAA starting at c.622-137; the reference has five copies in a row; one copy, 4 bases deleted.
Molecular consequence: intron variant.
Genome position (GRCh38, 1-based): chr14:87,976,606-87,976,609, TTTG deleted on the plus strand (CAAA on the coding strand, the reverse complement: GALC is on the minus strand); deleting any 4 consecutive bases within chr14:87,976,606-87,976,628 gives the same sequence; the position shown is the placement nearest the transcript's 3' end. VCF-style (leftmost placement, unchanged base first): chr14-87976605-TTTTG-T. GRCh37 (hg19) VCF-style: chr14-88442949-TTTTG-T.
Other names: c.544-137CAAA[4] (NM_001201402.2); c.553-137CAAA[4] (NM_001201401.2).
Identifiers: ClinVar variation 681828 (VCV000681828.1), dbSNP rs146880216, ClinGen allele CA264708413.

ClinVar aggregate classification (germline): Benign (1 of 4 stars; one submission).

Submission:

GeneDx
Classification: Benign. Last evaluated: 2018-06-19. Review status: criteria provided, single submitter. Criteria: GeneDx Variant Classification (06012015). Collection method: clinical testing. Allele origin: germline. Affected: yes.
Comment: This variant is considered likely benign or benign based on one or more of the following criteria: it is a conservative change, it occurs at a poorly conserved position in the protein, it is predicted to be benign by multiple in silico algorithms, and/or has population frequency not consistent with disease.